The following is an entry in ClinVar:

ClinVar aggregate classification (germline): Uncertain significance. Review status: criteria provided, multiple submitters, no conflicts (2 of 4 stars). 2 submissions from 2 submitters: Uncertain significance (2). Last evaluated 2026-04-20.

Conditions:
Hereditary cancer-predisposing syndrome. Also called: Hereditary neoplastic syndrome; Neoplastic Syndromes, Hereditary; Tumor predisposition; Hereditary Cancer Syndrome. Identifiers: Orphanet 140162, MedGen C0027672, MeSH D009386, MONDO:0015356.

Submissions (2):

Ambry Genetics
Classification: Uncertain significance for Hereditary cancer-predisposing syndrome. Last evaluated: 2026-04-20. Review status: criteria provided, single submitter. Criteria: Ambry Variant Classification Scheme 2023. Collection method: clinical testing. Allele origin: germline.
Comment: The p.V1250F variant (also known as c.3748G>T), located in coding exon 24 of the RAD50 gene, results from a G to T substitution at nucleotide position 3748. The valine at codon 1250 is replaced by phenylalanine, an amino acid with highly similar properties. This amino acid position is conserved. In addition, this alteration is predicted to be tolerated by in silico analysis. Based on the available evidence, the clinical significance of this variant remains unclear.

Labcorp Genetics (formerly Invitae), Labcorp
Classification: Uncertain significance for Hereditary cancer-predisposing syndrome. Last evaluated: 2022-12-06. Review status: criteria provided, single submitter. Criteria: Invitae Variant Classification Sherloc (09022015). Collection method: clinical testing. Allele origin: germline.
Comment: This sequence change replaces valine, which is neutral and non-polar, with phenylalanine, which is neutral and non-polar, at codon 1250 of the RAD50 protein (p.Val1250Phe). This variant is not present in population databases (gnomAD no frequency). This variant has not been reported in the literature in individuals affected with RAD50-related conditions. ClinVar contains an entry for this variant (Variation ID: 1040929). Advanced modeling of protein sequence and biophysical properties (such as structural, functional, and spatial information, amino acid conservation, physicochemical variation, residue mobility, and thermodynamic stability) performed at Invitae indicates that this missense variant is expected to disrupt RAD50 protein function. In summary, the available evidence is currently insufficient to determine the role of this variant in disease. Therefore, it has been classified as a Variant of Uncertain Significance.

NM_005732.4(RAD50):c.3748G>T (p.Val1250Phe)

Genes: TH2-LCR (Th2 cytokine locus control region; plus strand), TH2LCRR (T helper type 2 locus control region associated RNA; minus strand), RAD50 (RAD50 double strand break repair protein; plus strand). Cytogenetic location: 5q31.1.
Variant type: single nucleotide variant.
Coding change: c.3748G>T on transcript NM_005732.4 (MANE Select); coding-DNA position 3748, G replaced by T.
Protein change: p.Val1250Phe; replaces valine 1250 with phenylalanine.
Molecular consequence: missense variant.
Genome position (GRCh38, 1-based): chr5:132,640,801, G>T. VCF-style: chr5-132640801-G-T. GRCh37 (hg19) VCF-style: chr5-131976493-G-T.
Other names: c.3748G>T (NM_005732.3); short protein forms V1250F.
Identifiers: ClinVar variation 1040929 (VCV001040929.11), dbSNP rs1200638952, ClinGen allele CA360935073.
Genomic context (GRCh38, chr5:132,640,801, plus strand): 5'-TTGGATGAGCCAACAACAAATCTTGACCGAGAAAACATTGAATCTCTTGCACATGCTCTG[G>T]TTGAGTAAGTATCTCTTGCACATGCTCTGGTTGAGTAAGTATCTCACATTTGGGGACAGG-3'
Protein context (NP_005723.2, residues 1240-1260): ENIESLAHAL[Val1250Phe]EIIKSRSQQR